The following is an entry in ClinVar:

NM_020987.5(ANK3):c.11386A>G (p.Thr3796Ala)

Gene: ANK3 (ankyrin 3; minus strand). Cytogenetic location: 10q21.2.
Variant type: single nucleotide variant.
Coding change: c.11386A>G on transcript NM_020987.5 (MANE Select); coding-DNA position 11386, A replaced by G.
Protein change: p.Thr3796Ala; replaces threonine 3796 with alanine.
Molecular consequence: missense variant. On other transcripts: intron variant (4).
Genome position (GRCh38, 1-based): chr10:60,069,495, T>C on the plus strand (A>G on the coding strand, the complement: ANK3 is on the minus strand). VCF-style: chr10-60069495-T-C. GRCh37 (hg19) VCF-style: chr10-61829253-T-C.
Other names: c.4388-1486A>G (NM_001204403.2); c.4409-1486A>G (NM_001204404.2); c.4406-1486A>G (NM_001320874.2); c.1808-1486A>G (NM_001149.4); short protein forms T3796A.
Identifiers: ClinVar variation 1426089 (VCV001426089.7), dbSNP rs1357701203, ClinGen allele CA376997069.
Genomic context (GRCh38, chr10:60,069,495, plus strand): 5'-AAGTGGGTGCAGAATGTTCTGTCAGAACTATATTACTCATAATGTTATCTGTCTGTATAG[T>C]GGAAGAATCCAAATTGTTGTTGTTATTAAAGTTATCTTTTTGAAAATCATGTTTTTCATG-3'
Protein context (NP_066267.2, residues 3786-3806): FNNNNNLDSS[Thr3796Ala]IQTDNIMSNI

ClinVar aggregate classification (germline): Uncertain significance (1 of 4 stars; one submission).

Allele frequency attached by ClinVar (database versions not stated): gnomAD 0.00001; TOPMed 0.00001.
gnomAD v4.1: 9 of 1,613,922 alleles (0.00056%); highest among the groups gnomAD compares: Non-Finnish European, 0.00068%; no homozygotes.

Submission:

Labcorp Genetics (formerly Invitae), Labcorp
Classification: Uncertain significance. Last evaluated: 2021-12-02. Review status: criteria provided, single submitter. Criteria: Invitae Variant Classification Sherloc (09022015). Collection method: clinical testing. Allele origin: germline.
Comment: This sequence change replaces threonine with alanine at codon 3796 of the ANK3 protein (p.Thr3796Ala). The threonine residue is weakly conserved and there is a small physicochemical difference between threonine and alanine. This variant is present in population databases (no rsID available, gnomAD 0.0009%). This variant has not been reported in the literature in individuals affected with ANK3-related conditions. Algorithms developed to predict the effect of missense changes on protein structure and function are either unavailable or do not agree on the potential impact of this missense change (SIFT: "Not Available"; PolyPhen-2: "Benign"; Align-GVGD: "Not Available"). In summary, the available evidence is currently insufficient to determine the role of this variant in disease. Therefore, it has been classified as a Variant of Uncertain Significance.